The following is an entry in ClinVar:

NM_000069.3(CACNA1S):c.26A>C (p.Glu9Ala)

Gene: CACNA1S (calcium voltage-gated channel subunit alpha1 S; minus strand). Cytogenetic location: 1q32.1.
Variant type: single nucleotide variant.
Coding change: c.26A>C on transcript NM_000069.3 (MANE Select); coding-DNA position 26, A replaced by C.
Protein change: p.Glu9Ala; replaces glutamic acid 9 with alanine.
Molecular consequence: missense variant.
Genome position (GRCh38, 1-based): chr1:201,112,314, T>G on the plus strand (A>C on the coding strand, the complement: CACNA1S is on the minus strand). VCF-style: chr1-201112314-T-G. GRCh37 (hg19) VCF-style: chr1-201081442-T-G.
Other names: short protein forms E9A.
Identifiers: ClinVar variation 3070776 (VCV003070776.1), dbSNP rs761386471, ClinGen allele CA344158720.

ClinVar aggregate classification (germline): Uncertain significance (1 of 4 stars; one submission).

Conditions:
Malignant hyperthermia, susceptibility to, 5 (MHS5). Also called: CACNA1S-Related Malignant Hyperthermia Susceptibility. Identifiers: Orphanet 423, MedGen C1866077, MONDO:0011163, OMIM 601887.

Submission:

All of Us Research Program, National Institutes of Health
Classification: Uncertain significance for Malignant hyperthermia, susceptibility to, 5. Last evaluated: 2023-05-04. Review status: criteria provided, single submitter. Criteria: ACMG Guidelines, 2015. Collection method: clinical testing. Allele origin: germline. Inheritance: Autosomal dominant inheritance. Observed: 1 variant allele, 1 heterozygote.
Comment: This missense variant replaces glutamic acid with alanine at codon 9 of the CACNA1S protein. Computational prediction suggests that this variant may not impact protein structure and function (internally defined REVEL score threshold <= 0.5, PMID: 27666373). To our knowledge, functional studies have not been reported for this variant. This variant has not been reported in individuals affected with CACNA1S-related disorders in the literature. This variant has not been identified in the general population by the Genome Aggregation Database (gnomAD). The available evidence is insufficient to determine the role of this variant in disease conclusively. Therefore, this variant is classified as a Variant of Uncertain Significance.

This study involves interpretation of variants in research participants for the purpose of population health screening. Participant phenotype was not available at the time of variant classification. Additional details can be found in publication PMID: 35346344, PMCID: PMC8962531